The following is an entry in ClinVar:

GRCh38/hg38 12q24.23-24.33(chr12:118165459-133182322)x3

Genes: LRCOL1 (leucine rich colipase like 1; minus strand), LRRC43 (leucine rich repeat containing 43; plus strand), MIR1178 (microRNA 1178; minus strand), MIR3612 (microRNA 3612; plus strand), MIR3908 (microRNA 3908; plus strand) and 786 more. Cytogenetic location: 12q24.23-24.33.
Variant type: copy number gain.
Change: copy number 3 (three copies instead of two) of chr12:118,165,459-133,182,322 (15.02 Mb, GRCh38 coordinates, 1-based), cytogenetic band 12q24.23-24.33.
Identifiers: ClinVar variation 57207 (VCV000057207.1).

ClinVar aggregate classification (germline): Pathogenic (1 of 4 stars; one submission).

Submission:

ISCA site 4
Classification: Pathogenic. Last evaluated: 2011-08-12. Review status: criteria provided, single submitter. Criteria: Kaminsky et al. (Genet Med. 2011). Collection method: clinical testing. Allele origin: unknown. Affected: yes. Observed: 1 variant allele.
Comment: Copy number variation identified through the course of routine clinical cytogenomic testing in postnatal populations. Clinical assertions have been curated as described in Kaminsky et al. 2011.